The following is an entry in ClinVar:

ClinVar aggregate classification (germline): Likely pathogenic (1 of 4 stars; one submission).

Conditions:
Alpha-N-acetylgalactosaminidase deficiency type 1. Also called: NAGA DEFICIENCY, TYPE I; NEUROAXONAL DYSTROPHY, SCHINDLER TYPE; SCHINDLER DISEASE, TYPE I; ALPHA-N-ACETYLGALACTOSAMINIDASE DEFICIENCY, TYPE I. Identifiers: Orphanet 3137, Orphanet 79279, Orphanet 79281, MedGen C1836544, MONDO:0012221, OMIM 609241.

Allele frequency attached by ClinVar (database versions not stated): TOPMed below 0.00001.
gnomAD v4.1: 4 of 1,613,838 alleles (0.00025%); highest among the groups gnomAD compares: Non-Finnish European, 0.00034%; no homozygotes.

Submission:

Labcorp Genetics (formerly Invitae), Labcorp
Classification: Likely pathogenic for Alpha-N-acetylgalactosaminidase deficiency type 1. Last evaluated: 2023-05-09. Review status: criteria provided, single submitter. Criteria: Invitae Variant Classification Sherloc (09022015). Collection method: clinical testing. Allele origin: germline.
Comment: This variant has not been reported in the literature in individuals affected with NAGA-related conditions. This sequence change affects an acceptor splice site in intron 5 of the NAGA gene. It is expected to disrupt RNA splicing. Variants that disrupt the donor or acceptor splice site typically lead to a loss of protein function (PMID: 16199547), and loss-of-function variants in NAGA are known to be pathogenic (PMID: 8782044, 11251574). This variant is not present in population databases (gnomAD no frequency). Algorithms developed to predict the effect of sequence changes on RNA splicing suggest that this variant may disrupt the consensus splice site. In summary, the currently available evidence indicates that the variant is pathogenic, but additional data are needed to prove that conclusively. Therefore, this variant has been classified as Likely Pathogenic.

Literature cited by the submitters: PubMed 16199547; PubMed 8782044; PubMed 11251574.

NM_000262.3(NAGA):c.598-1G>A

Gene: NAGA (alpha-N-acetylgalactosaminidase; minus strand). Cytogenetic location: 22q13.2.
Variant type: single nucleotide variant.
Coding change: c.598-1G>A on transcript NM_000262.3 (MANE Select); the canonical splice acceptor site of the intron before coding-DNA position 598, G replaced by A.
Molecular consequence: splice acceptor variant.
Genome position (GRCh38, 1-based): chr22:42,065,900, C>T on the plus strand (G>A on the coding strand, the complement: NAGA is on the minus strand). VCF-style: chr22-42065900-C-T. GRCh37 (hg19) VCF-style: chr22-42461904-C-T.
Other names: c.598-1G>A (NM_001362850.1, NM_001362848.1).
Identifiers: ClinVar variation 3007394 (VCV003007394.3), dbSNP rs746195722, ClinGen allele CA411768418.